The following is an entry in ClinVar:

ClinVar aggregate classification (germline): Uncertain significance (1 of 4 stars; one submission).

Submission:

GeneDx
Classification: Uncertain significance. Last evaluated: 2023-11-15. Review status: criteria provided, single submitter. Criteria: GeneDx Variant Classification Process June 2021. Collection method: clinical testing. Allele origin: germline. Affected: yes.
Comment: Not observed at significant frequency in large population cohorts (gnomAD); In silico analysis supports that this missense variant has a deleterious effect on protein structure/function; Has not been previously published as pathogenic or benign to our knowledge

NM_007255.3(B4GALT7):c.969G>T (p.Trp323Cys)

Gene: B4GALT7 (beta-1,4-galactosyltransferase 7; plus strand). Cytogenetic location: 5q35.3.
Variant type: single nucleotide variant.
Coding change: c.969G>T on transcript NM_007255.3 (MANE Select); coding-DNA position 969, G replaced by T.
Protein change: p.Trp323Cys; replaces tryptophan 323 with cysteine.
Molecular consequence: missense variant.
Genome position (GRCh38, 1-based): chr5:177,609,680, G>T. VCF-style: chr5-177609680-G-T. GRCh37 (hg19) VCF-style: chr5-177036681-G-T.
Other names: short protein forms W323C.
Identifiers: ClinVar variation 3364367 (VCV003364367.1).